The following is an entry in ClinVar:

NM_019851.3(FGF20):c.547A>G (p.Arg183Gly)

Gene: FGF20 (fibroblast growth factor 20; minus strand). Cytogenetic location: 8p22.
Variant type: single nucleotide variant.
Coding change: c.547A>G on transcript NM_019851.3 (MANE Select); coding-DNA position 547, A replaced by G.
Protein change: p.Arg183Gly; replaces arginine 183 with glycine.
Molecular consequence: missense variant.
Genome position (GRCh38, 1-based): chr8:16,993,161, T>C on the plus strand (A>G on the coding strand, the complement: FGF20 is on the minus strand). VCF-style: chr8-16993161-T-C. GRCh37 (hg19) VCF-style: chr8-16850670-T-C.
Other names: short protein forms R183G.
Identifiers: ClinVar variation 3618765 (VCV003618765.2).
Genomic context (GRCh38, chr8:16,993,161, plus strand): 5'-ATTCTGGAACTCTTTCTGGATCCACTGGTCTAGGTAAGAAATGTGTAAATTTCTGATGCC[T>C]CTTGGACCTGGCGCCATCTCTTGGAGTTCCGTCTTTGTTAAGTGCCACAAAATACCTGCG-3'
Protein context (NP_062825.1, residues 173-193): GTPRDGARSK[Arg183Gly]HQKFTHFLPR

ClinVar aggregate classification (germline): Uncertain significance (1 of 4 stars; one submission).

gnomAD v4.1: 7 of 1,614,132 alleles (0.00043%); highest among the groups gnomAD compares: Admixed American, 0.012%; no homozygotes.

Submission:

Labcorp Genetics (formerly Invitae), Labcorp
Classification: Uncertain significance. Last evaluated: 2025-04-21. Review status: criteria provided, single submitter. Criteria: Invitae Variant Classification Sherloc (09022015). Collection method: clinical testing. Allele origin: germline.
Comment: This sequence change replaces arginine, which is basic and polar, with glycine, which is neutral and non-polar, at codon 183 of the FGF20 protein (p.Arg183Gly). This variant is present in population databases (rs755939016, gnomAD 0.01%). This variant has not been reported in the literature in individuals affected with FGF20-related conditions. ClinVar contains an entry for this variant (Variation ID: 3618765). An algorithm developed to predict the effect of missense changes on protein structure and function (PolyPhen-2) suggests that this variant is likely to be disruptive. In summary, the available evidence is currently insufficient to determine the role of this variant in disease. Therefore, it has been classified as a Variant of Uncertain Significance.